The following is an entry in ClinVar:

ClinVar aggregate classification (germline): Uncertain significance. Review status: criteria provided, multiple submitters, no conflicts (2 of 4 stars). 2 submissions from 2 submitters: Uncertain significance (2). Last evaluated 2025-11-24.

Conditions:
Cardiovascular phenotype. Identifiers: MedGen CN230736.

Allele frequency attached by ClinVar (database versions not stated): gnomAD 0.00001.

Submissions (2):

Ambry Genetics
Classification: Uncertain significance for Cardiovascular phenotype. Last evaluated: 2025-11-24. Review status: criteria provided, single submitter. Criteria: Ambry Variant Classification Scheme 2023. Collection method: clinical testing. Allele origin: germline.
Comment: The p.R34G variant (also known as c.100C>G), located in coding exon 2 of the APOA1 gene, results from a C to G substitution at nucleotide position 100. The arginine at codon 34 is replaced by glycine, an amino acid with dissimilar properties. This amino acid position is conserved. In addition, this alteration is predicted to be tolerated by in silico analysis. Based on the available evidence, the clinical significance of this variant remains unclear.

GeneDx
Classification: Uncertain significance. Last evaluated: 2023-02-24. Review status: criteria provided, single submitter. Criteria: GeneDx Variant Classification Process June 2021. Collection method: clinical testing. Allele origin: germline. Affected: yes.
Comment: Not observed at significant frequency in large population cohorts (gnomAD); In silico analysis supports that this missense variant has a deleterious effect on protein structure/function; Has not been previously published as pathogenic or benign to our knowledge

NM_000039.3(APOA1):c.100C>G (p.Arg34Gly)

Genes: APOA1 (apolipoprotein A1; minus strand), APOA1-AS (APOA1 antisense RNA; plus strand). Cytogenetic location: 11q23.3.
Variant type: single nucleotide variant.
Coding change: c.100C>G on transcript NM_000039.3 (MANE Select); coding-DNA position 100, C replaced by G.
Protein change: p.Arg34Gly; replaces arginine 34 with glycine.
Molecular consequence: missense variant.
Genome position (GRCh38, 1-based): chr11:116,837,101, G>C on the plus strand (C>G on the coding strand, the complement: APOA1 is on the minus strand). VCF-style: chr11-116837101-G-C. GRCh37 (hg19) VCF-style: chr11-116707817-G-C.
Other names: c.100C>G, p.Arg34Gly (NM_001318017.2, NM_001318018.2); c.-228C>G (NM_001318021.2); short protein forms R34G.
Identifiers: ClinVar variation 2578141 (VCV002578141.2), dbSNP rs1373700967, ClinGen allele CA382720987.